The following is an entry in ClinVar:

ClinVar aggregate classification (germline): Likely benign. Review status: criteria provided, multiple submitters, no conflicts (2 of 4 stars). 4 submissions from 4 submitters: Likely benign (4). Last evaluated 2026-08-01.

Conditions:
CACNA1B-related disorder. Also called: CACNA1B-related condition.

Allele frequency attached by ClinVar (database versions not stated): gnomAD 0.00007 and 0.00008; TOPMed 0.00008; gnomAD exomes 0.00010 and 0.00013; ExAC 0.00013.
gnomAD v4.1: 147 of 1,582,562 alleles (0.0093%); highest among the groups gnomAD compares: Non-Finnish European, 0.012%; no homozygotes.

Submissions (4):

CeGaT Center for Human Genetics Tuebingen
Classification: Likely benign. Last evaluated: 2026-08-01. Review status: criteria provided, single submitter. Criteria: CeGaT Center For Human Genetics Tuebingen Variant Classification Criteria Version 2. Collection method: clinical testing. Allele origin: germline. Affected: yes. Observed: 1 variant allele.
Comment: CACNA1B: BP4, BP7

Labcorp Genetics (formerly Invitae), Labcorp
Classification: Likely benign. Last evaluated: 2026-01-26. Review status: criteria provided, single submitter. Criteria: Invitae Variant Classification Sherloc (09022015). Collection method: clinical testing. Allele origin: germline.

PreventionGenetics, part of Exact Sciences
Classification: Likely benign for CACNA1B-related condition. Last evaluated: 2025-11-05. Review status: criteria provided, single submitter. Criteria: ACMG Guidelines, 2015. Collection method: clinical testing. Allele origin: germline.
Comment: This variant is classified as likely benign based on ACMG/AMP sequence variant interpretation guidelines (Richards et al. 2015 PMID: 25741868, with internal and published modifications).

Blueprint Genetics
Classification: Likely benign. Last evaluated: 2024-03-05. Review status: criteria provided, single submitter. Criteria: ACMG Guidelines, 2015. Collection method: clinical testing. Allele origin: germline.

NM_000718.4(CACNA1B):c.6552C>T (p.Arg2184=)

Gene: CACNA1B (calcium voltage-gated channel subunit alpha1 B; plus strand). Cytogenetic location: 9q34.3.
Variant type: single nucleotide variant.
Coding change: c.6552C>T on transcript NM_000718.4 (MANE Select); coding-DNA position 6552, C replaced by T.
Protein change: p.Arg2184=; no amino-acid change (arginine 2184 retained).
Molecular consequence: synonymous variant. On other transcripts: intron variant (1).
Genome position (GRCh38, 1-based): chr9:138,121,531, C>T. VCF-style: chr9-138121531-C-T. GRCh37 (hg19) VCF-style: chr9-141015983-C-T.
Other names: c.6490-125C>T (NM_001243812.2).
Identifiers: ClinVar variation 726302 (VCV000726302.12), dbSNP rs200376348, ClinGen allele CA5377759.